The following is an entry in ClinVar:

NM_199420.4(POLQ):c.4712A>G (p.Asp1571Gly)

Gene: POLQ (DNA polymerase theta; minus strand). Cytogenetic location: 3q13.33.
Variant type: single nucleotide variant.
Coding change: c.4712A>G on transcript NM_199420.4 (MANE Select); coding-DNA position 4712, A replaced by G.
Protein change: p.Asp1571Gly; replaces aspartic acid 1571 with glycine.
Molecular consequence: missense variant.
Genome position (GRCh38, 1-based): chr3:121,488,219, T>C on the plus strand (A>G on the coding strand, the complement: POLQ is on the minus strand). VCF-style: chr3-121488219-T-C. GRCh37 (hg19) VCF-style: chr3-121207066-T-C.
Other names: short protein forms D1571G.
Identifiers: ClinVar variation 1742597 (VCV001742597.2), dbSNP rs2546785624, ClinGen allele CA354094101.

ClinVar aggregate classification (germline): Uncertain significance (1 of 4 stars; one submission).

Allele frequency attached by ClinVar (database versions not stated): gnomAD exomes below 0.00001.
gnomAD v4.1: 1 of 1,613,522 alleles (0.000062%); highest among the groups gnomAD compares: Non-Finnish European, 0.000085%; no homozygotes.

Submission:

Ambry Genetics
Classification: Uncertain significance. Last evaluated: 2023-09-19. Review status: criteria provided, single submitter. Criteria: Ambry Variant Classification Scheme 2023. Collection method: clinical testing. Allele origin: germline.
Comment: The p.D1571G variant (also known as c.4712A>G), located in coding exon 16 of the POLQ gene, results from an A to G substitution at nucleotide position 4712. The aspartic acid at codon 1571 is replaced by glycine, an amino acid with similar properties. This amino acid position is conserved. In addition, this alteration is predicted to be tolerated by in silico analysis. Since supporting evidence is limited at this time, the clinical significance of this alteration remains unclear.